The following is an entry in ClinVar:

NM_000051.4(ATM):c.7889T>A (p.Leu2630Ter)

Genes: ATM (ATM serine/threonine kinase; plus strand), C11orf65 (chromosome 11 open reading frame 65; minus strand). Cytogenetic location: 11q22.3.
Variant type: single nucleotide variant.
Coding change: c.7889T>A on transcript NM_000051.4 (MANE Select); coding-DNA position 7889, T replaced by A.
Protein change: p.Leu2630Ter; replaces leucine 2630 with a stop codon.
Molecular consequence: nonsense. On other transcripts: intron variant (2).
Genome position (GRCh38, 1-based): chr11:108,332,862, T>A. VCF-style: chr11-108332862-T-A. GRCh37 (hg19) VCF-style: chr11-108203589-T-A.
Other names: c.7889T>A, p.Leu2630Ter (NM_001351834.2); c.641-23791A>T (NM_001330368.2); c.*38+2358A>T (NM_001351110.2); short protein forms L2630*.
Identifiers: ClinVar variation 664950 (VCV000664950.9), dbSNP rs1591178998, ClinGen allele CA382561449.

ClinVar aggregate classification (germline): Pathogenic/Likely pathogenic. Review status: criteria provided, multiple submitters, no conflicts (2 of 4 stars). 3 submissions from 3 submitters: Pathogenic (2); Likely pathogenic (1). Last evaluated 2024-04-25.

Conditions:
Ataxia-telangiectasia syndrome (AT). Also called: Ataxia-telangiectasia, complementation group D; AT, COMPLEMENTATION GROUP C; ATAXIA-TELANGIECTASIA, COMPLEMENTATION GROUP A; ATAXIA-TELANGIECTASIA, FRESNO VARIANT; Ataxia-telangiectasia; LOUIS-BAR SYNDROME. Identifiers: Orphanet 100, MedGen C0004135, MONDO:0008840, OMIM 208900.
Familial cancer of breast. Also called: Hereditary breast cancer; BREAST CANCER, FAMILIAL; hereditary breast carcinoma. Identifiers: Orphanet 227535, MedGen C0346153, MONDO:0016419, OMIM 114480. Disease mechanism: loss of function.

Submissions (3):

Labcorp Genetics (formerly Invitae), Labcorp
Classification: Pathogenic for Ataxia-telangiectasia syndrome. Last evaluated: 2024-04-25. Review status: criteria provided, single submitter. Criteria: Invitae Variant Classification Sherloc (09022015). Collection method: clinical testing. Allele origin: germline.
Comment: This sequence change creates a premature translational stop signal (p.Leu2630*) in the ATM gene. It is expected to result in an absent or disrupted protein product. Loss-of-function variants in ATM are known to be pathogenic (PMID: 23807571, 25614872). This variant is not present in population databases (gnomAD no frequency). This variant has not been reported in the literature in individuals affected with ATM-related conditions. ClinVar contains an entry for this variant (Variation ID: 664950). For these reasons, this variant has been classified as Pathogenic.

ARUP Laboratories, Molecular Genetics and Genomics, ARUP Laboratories
Classification: Likely pathogenic. Last evaluated: 2024-02-23. Review status: criteria provided, single submitter. Criteria: ARUP Molecular Germline Variant Investigation Process 2024. Collection method: clinical testing. Allele origin: germline.
Comment: The ATM c.7889T>A; p.Leu263Ter variant, to our knowledge, is not reported in the medical literature but is reported in ClinVar (Variation ID: 664950). This variant is absent from the Genome Aggregation Database (v2.1.1), indicating it is not a common polymorphism. This variant induces an early termination codon and is predicted to result in a truncated protein or mRNA subject to nonsense-mediated decay. Based on available information, this variant is considered to be likely pathogenic.

Myriad Genetics, Inc.
Classification: Pathogenic for Familial cancer of breast. Last evaluated: 2023-12-19. Review status: criteria provided, single submitter. Criteria: Myriad Autosomal Dominant, Autosomal Recessive and X-Linked Classification Criteria (2023). Collection method: clinical testing. Allele origin: unknown.
Comment: This variant is considered pathogenic. This variant creates a termination codon and is predicted to result in premature protein truncation.

Literature cited by the submitters: PubMed 23807571 (cited by Labcorp Genetics (formerly Invitae), Labcorp); PubMed 25614872 (cited by Labcorp Genetics (formerly Invitae), Labcorp).